The following is an entry in ClinVar:

ClinVar aggregate classification (germline): Uncertain significance. Review status: criteria provided, multiple submitters, no conflicts (2 of 4 stars). 2 submissions from 2 submitters: Uncertain significance (2). Last evaluated 2024-08-29.

Conditions:
Malignant hyperthermia, susceptibility to, 5 (MHS5). Also called: CACNA1S-Related Malignant Hyperthermia Susceptibility. Identifiers: Orphanet 423, MedGen C1866077, MONDO:0011163, OMIM 601887.
Hypokalemic periodic paralysis, type 1. Also called: Hypokalemic Periodic Paralysis Type 1 (AD); HypoPP. Identifiers: Orphanet 681, MedGen C3714580, MONDO:0042979, OMIM 170400.

Submissions (2):

Labcorp Genetics (formerly Invitae), Labcorp
Classification: Uncertain significance for Hypokalemic periodic paralysis, type 1; Malignant hyperthermia, susceptibility to, 5. Last evaluated: 2024-08-29. Review status: criteria provided, single submitter. Criteria: Invitae Variant Classification Sherloc (09022015). Collection method: clinical testing. Allele origin: germline.
Comment: This sequence change replaces isoleucine, which is neutral and non-polar, with valine, which is neutral and non-polar, at codon 45 of the CACNA1S protein (p.Ile45Val). This variant is not present in population databases (gnomAD no frequency). This variant has not been reported in the literature in individuals affected with CACNA1S-related conditions. Invitae Evidence Modeling of protein sequence and biophysical properties (such as structural, functional, and spatial information, amino acid conservation, physicochemical variation, residue mobility, and thermodynamic stability) indicates that this missense variant is not expected to disrupt CACNA1S protein function with a negative predictive value of 95%. In summary, the available evidence is currently insufficient to determine the role of this variant in disease. Therefore, it has been classified as a Variant of Uncertain Significance.

All of Us Research Program, National Institutes of Health
Classification: Uncertain significance for Malignant hyperthermia, susceptibility to, 5. Last evaluated: 2024-06-09. Review status: criteria provided, single submitter. Criteria: ACMG Guidelines, 2015. Collection method: clinical testing. Allele origin: germline. Inheritance: Autosomal dominant inheritance. Observed: 1 variant allele, 1 heterozygote.
Comment: This missense variant replaces isoleucine with valine at codon 45 of the CACNA1S protein. Computational prediction suggests that this variant may not impact protein structure and function (internally defined REVEL score threshold <= 0.5, PMID: 27666373). To our knowledge, functional studies have not been reported for this variant. This variant has not been reported in individuals affected with CACNA1S-related disorders in the literature. This variant has not been identified in the general population by the Genome Aggregation Database (gnomAD). The available evidence is insufficient to determine the role of this variant in disease conclusively. Therefore, this variant is classified as a Variant of Uncertain Significance.

This study involves interpretation of variants in research participants for the purpose of population health screening. Participant phenotype was not available at the time of variant classification. Additional details can be found in publication PMID: 35346344, PMCID: PMC8962531

NM_000069.3(CACNA1S):c.133A>G (p.Ile45Val)

Gene: CACNA1S (calcium voltage-gated channel subunit alpha1 S; minus strand). Cytogenetic location: 1q32.1.
Variant type: single nucleotide variant.
Coding change: c.133A>G on transcript NM_000069.3 (MANE Select); coding-DNA position 133, A replaced by G.
Protein change: p.Ile45Val; replaces isoleucine 45 with valine.
Molecular consequence: missense variant.
Genome position (GRCh38, 1-based): chr1:201,112,207, T>C on the plus strand (A>G on the coding strand, the complement: CACNA1S is on the minus strand). VCF-style: chr1-201112207-T-C. GRCh37 (hg19) VCF-style: chr1-201081335-T-C.
Other names: short protein forms I45V.
Identifiers: ClinVar variation 3386414 (VCV003386414.3).